The following is an entry in ClinVar:

ClinVar aggregate classification (germline): Likely benign (0 of 4 stars; one submission).

Conditions:
SEC23IP-related disorder. Also called: SEC23IP-related condition.

Allele frequency attached by ClinVar (database versions not stated): gnomAD exomes 0.00017; ExAC 0.00054; 1000 Genomes Project 30x 0.00187; ESP Exome Variant Server 0.00192; 1000 Genomes Project 0.00220.
gnomAD v4.1: 480 of 1,614,022 alleles (0.03%); highest among the groups gnomAD compares: African/African-American, 0.54%; 1 homozygote.

Submission:

PreventionGenetics, part of Exact Sciences
Classification: Likely benign for SEC23IP-related condition. Last evaluated: 2019-11-16. Review status: no assertion criteria provided. Collection method: clinical testing. Allele origin: germline.
Comment: This variant is classified as likely benign based on ACMG/AMP sequence variant interpretation guidelines (Richards et al. 2015 PMID: 25741868, with internal and published modifications).

NM_007190.4(SEC23IP):c.1241C>T (p.Thr414Met)

Gene: SEC23IP (SEC23 interacting protein; plus strand). Cytogenetic location: 10q26.12.
Variant type: single nucleotide variant.
Coding change: c.1241C>T on transcript NM_007190.4 (MANE Select); coding-DNA position 1241, C replaced by T.
Protein change: p.Thr414Met; replaces threonine 414 with methionine.
Molecular consequence: missense variant. On other transcripts: non-coding transcript variant (1).
Genome position (GRCh38, 1-based): chr10:119,912,093, C>T. VCF-style: chr10-119912093-C-T. GRCh37 (hg19) VCF-style: chr10-121671605-C-T.
Other names: c.1241C>T, p.Thr414Met (NM_001411070.1); short protein forms T414M.
Identifiers: ClinVar variation 3049228 (VCV003049228.2), dbSNP rs142665854, ClinGen allele CA5718494.